The following is an entry in ClinVar:

ClinVar aggregate classification (germline): Pathogenic (1 of 4 stars; one submission).

Conditions:
Ataxia-telangiectasia syndrome (AT). Also called: LOUIS-BAR SYNDROME; Cerebello-oculocutaneous telangiectasia; Immunodeficiency with ataxia telangiectasia; AT, COMPLEMENTATION GROUP C; Ataxia-telangiectasia, complementation group D; ATAXIA-TELANGIECTASIA, COMPLEMENTATION GROUP A. Identifiers: Orphanet 100, MedGen C0004135, MONDO:0008840, OMIM 208900.

Submission:

Labcorp Genetics (formerly Invitae), Labcorp
Classification: Pathogenic for Ataxia-telangiectasia syndrome. Last evaluated: 2023-04-23. Review status: criteria provided, single submitter. Criteria: Invitae Variant Classification Sherloc (09022015). Collection method: clinical testing. Allele origin: unknown.
Comment: For these reasons, this variant has been classified as Pathogenic. This variant has not been reported in the literature in individuals affected with ATM-related conditions. This variant is a gross deletion of the genomic region encompassing exon(s) 61 of the ATM gene. This deletion is out-of-frame, and is expected to create a premature termination codon and result in an absent or disrupted protein product. Loss-of-function variants in ATM are known to be pathogenic (PMID: 23807571, 25614872).

Literature cited by the submitters: PubMed 23807571; PubMed 25614872.

NC_000011.9:g.(?_108225528)_(108225611_?)del

Gene: ATM (ATM serine/threonine kinase; plus strand). Cytogenetic location: 11q22.3.
Variant type: Deletion.
Identifiers: ClinVar variation 3244455 (VCV003244455.1).